The following is an entry in ClinVar:

ClinVar aggregate classification (germline): Uncertain significance. Review status: criteria provided, single submitter (1 of 4 stars). 2 submissions from 2 submitters: Uncertain significance (1). 1 of the submissions does not count toward it. Last evaluated 2022-03-02.

Conditions:
Aicardi Goutieres syndrome (AGS). Also called: Encephalopathy, familial infantile, with calcification of basal ganglia and chronic cerebrospinal fluid lymphocytosis. Identifiers: Orphanet 51, MedGen C0393591, MONDO:0018866.
Aicardi-Goutieres syndrome 5. Identifiers: Orphanet 51, MedGen C2749659, MONDO:0013059, OMIM 612952.

Allele frequency attached by ClinVar (database versions not stated): gnomAD exomes below 0.00001; ExAC 0.00001.
gnomAD v4.1: 2 of 1,614,062 alleles (0.00012%); highest among the groups gnomAD compares: Non-Finnish European, 0.00017%; no homozygotes.

Submissions (2):

Labcorp Genetics (formerly Invitae), Labcorp
Classification: Uncertain significance for Aicardi-Goutieres syndrome 5. Last evaluated: 2022-03-02. Review status: criteria provided, single submitter. Criteria: Invitae Variant Classification Sherloc (09022015). Collection method: clinical testing. Allele origin: germline.
Comment: This sequence change replaces serine, which is neutral and polar, with tyrosine, which is neutral and polar, at codon 614 of the SAMHD1 protein (p.Ser614Tyr). This variant is present in population databases (rs62208115, gnomAD 0.0009%). This variant has not been reported in the literature in individuals affected with SAMHD1-related conditions. Algorithms developed to predict the effect of missense changes on protein structure and function (SIFT, PolyPhen-2, Align-GVGD) all suggest that this variant is likely to be tolerated. In summary, the available evidence is currently insufficient to determine the role of this variant in disease. Therefore, it has been classified as a Variant of Uncertain Significance.

Natera, Inc.
Classification: Uncertain significance for Aicardi-Goutieres syndrome. Last evaluated: 2025-04-11. Review status: no assertion criteria provided. Collection method: clinical testing. Allele origin: germline. Not counted in ClinVar's aggregate classification.

NM_015474.4(SAMHD1):c.1841C>A (p.Ser614Tyr)

Genes: SAMHD1 (SAM and HD domain containing deoxynucleoside triphosphate triphosphohydrolase 1; minus strand), TLDC2 (TBC/LysM-associated domain containing 2; plus strand). Cytogenetic location: 20q11.23.
Variant type: single nucleotide variant.
Coding change: c.1841C>A on transcript NM_015474.4 (MANE Select); coding-DNA position 1841, C replaced by A.
Protein change: p.Ser614Tyr; replaces serine 614 with tyrosine.
Molecular consequence: missense variant. On other transcripts: 3 prime UTR variant (3).
Genome position (GRCh38, 1-based): chr20:36,892,972, G>T on the plus strand (C>A on the coding strand, the complement: SAMHD1 is on the minus strand). VCF-style: chr20-36892972-G-T. GRCh37 (hg19) VCF-style: chr20-35521375-G-T.
Other names: c.*128G>T (NM_001304783.1, NM_080628.3); c.1736C>A, p.Ser579Tyr (NM_001363729.2); c.*934C>A (NM_001363733.2); short protein forms S579Y, S614Y.
Identifiers: ClinVar variation 2159232 (VCV002159232.4), dbSNP rs62208115, ClinGen allele CA9844402.